The following is an entry in ClinVar:

NM_003242.6(TGFBR2):c.1589C>G (p.Thr530Arg)

Gene: TGFBR2 (transforming growth factor beta receptor 2; plus strand). Cytogenetic location: 3p24.1.
Variant type: single nucleotide variant.
Coding change: c.1589C>G on transcript NM_003242.6 (MANE Select); coding-DNA position 1589, C replaced by G.
Protein change: p.Thr530Arg; replaces threonine 530 with arginine.
Molecular consequence: missense variant.
Genome position (GRCh38, 1-based): chr3:30,691,484, C>G. VCF-style: chr3-30691484-C-G. GRCh37 (hg19) VCF-style: chr3-30732976-C-G.
Other names: c.1664C>G, p.Thr555Arg (NM_001024847.3); c.1772C>G, p.Thr591Arg (NM_001407126.1); c.1697C>G, p.Thr566Arg (NM_001407127.1); c.1616C>G, p.Thr539Arg (NM_001407128.1); c.1592C>G, p.Thr531Arg (NM_001407129.1); c.1586C>G, p.Thr529Arg (NM_001407130.1); c.1484C>G, p.Thr495Arg (NM_001407132.1, NM_001407133.1, NM_001407134.1 and 2 more transcripts); c.1304C>G, p.Thr435Arg (NM_001407137.1); and 2 more; short protein forms T530R, T555R, T240R, T531R, T539R, T566R, T435R, T495R.
Identifiers: ClinVar variation 1006537 (VCV001006537.6), dbSNP rs1699708963, ClinGen allele CA351809616.

ClinVar aggregate classification (germline): Uncertain significance (1 of 4 stars; one submission).

Conditions:
Familial thoracic aortic aneurysm and aortic dissection (TAAD). Also called: Thoracic aortic aneurysms and dissections. Identifiers: Orphanet 91387, MedGen C4707243, MONDO:0019625.

Submission:

Labcorp Genetics (formerly Invitae), Labcorp
Classification: Uncertain significance for Familial thoracic aortic aneurysm and aortic dissection. Last evaluated: 2020-03-19. Review status: criteria provided, single submitter. Criteria: Invitae Variant Classification Sherloc (09022015). Collection method: clinical testing. Allele origin: germline.
Comment: Algorithms developed to predict the effect of missense changes on protein structure and function are either unavailable or do not agree on the potential impact of this missense change (SIFT: "Deleterious"; PolyPhen-2: "Probably Damaging"; Align-GVGD: "Class C0"). This sequence change replaces threonine with arginine at codon 530 of the TGFBR2 protein (p.Thr530Arg). The threonine residue is highly conserved and there is a moderate physicochemical difference between threonine and arginine. This variant is not present in population databases (ExAC no frequency). This variant has been observed in individual(s) with clinical features of Loeys-Dietz syndrome (Invitae). In summary, the available evidence is currently insufficient to determine the role of this variant in disease. Therefore, it has been classified as a Variant of Uncertain Significance.